The following is an entry in ClinVar:

ClinVar aggregate classification (germline): Benign (1 of 4 stars; one submission).

Allele frequency attached by ClinVar (database versions not stated): gnomAD exomes 0.00240; gnomAD 0.01937 and 0.02071; 1000 Genomes Project 0.02119; TOPMed 0.02243; 1000 Genomes Project 30x 0.02289.
gnomAD v4.1: 3,783 of 745,870 alleles (0.51%); highest among the groups gnomAD compares: African/African-American, 6.6%; 109 homozygotes.

Submission:

GeneDx
Classification: Benign. Last evaluated: 2018-06-18. Review status: criteria provided, single submitter. Criteria: GeneDx Variant Classification (06012015). Collection method: clinical testing. Allele origin: germline. Affected: yes.
Comment: This variant is considered likely benign or benign based on one or more of the following criteria: it is a conservative change, it occurs at a poorly conserved position in the protein, it is predicted to be benign by multiple in silico algorithms, and/or has population frequency not consistent with disease.

NM_004006.3(DMD):c.10087-139C>G

Gene: DMD (dystrophin; minus strand). Cytogenetic location: Xp21.2.
Variant type: single nucleotide variant.
Coding change: c.10087-139C>G on transcript NM_004006.3 (MANE Select); 139 bases into the intron before coding-DNA position 10087, C replaced by G.
Molecular consequence: intron variant.
Genome position (GRCh38, 1-based): chrX:31,178,944, G>C on the plus strand (C>G on the coding strand, the complement: DMD is on the minus strand). VCF-style: chrX-31178944-G-C. GRCh37 (hg19) VCF-style: chrX-31197061-G-C.
Other names: c.10063-139C>G (NM_000109.4); c.6064-139C>G (NM_004011.4); c.6055-139C>G (NM_004012.4); c.2707-139C>G (NM_004023.3, NM_004020.4, NM_004022.3 and 2 more transcripts); c.1900-139C>G (NM_004014.3); c.883-139C>G (NM_004018.3, NM_004017.3, NM_004016.3 and 2 more transcripts); c.10075-139C>G (NM_004009.3); c.9718-139C>G (NM_004010.3).
Identifiers: ClinVar variation 675975 (VCV000675975.1), dbSNP rs72466542, ClinGen allele CA328405461.